The following is an entry in ClinVar:

ClinVar aggregate classification (germline): Conflicting classifications of pathogenicity. Review status: criteria provided, conflicting classifications (1 of 4 stars). 2 submissions from 2 submitters: Uncertain significance (1); Likely benign (1). Last evaluated 2025-01-20.

Conditions:
Growth hormone insensitivity with immune dysregulation 1, autosomal recessive. Also called: Laron syndrome with immunodeficiency; GROWTH HORMONE INSENSITIVITY DUE TO POSTRECEPTOR DEFECT; LARON SYNDROME DUE TO POSTRECEPTOR DEFECT; GROWTH HORMONE INSENSITIVITY SYNDROME WITH IMMUNE DYSREGULATION 1, AUTOSOMAL RECESSIVE. Identifiers: Orphanet 220465, MedGen C5435698, MONDO:0100211, OMIM 245590.

Allele frequency attached by ClinVar (database versions not stated): ExAC 0.00003; gnomAD exomes 0.00005 and 0.00014; TOPMed 0.00007; ESP Exome Variant Server 0.00008; gnomAD 0.00009 and 0.00010.
gnomAD v4.1: 209 of 1,613,652 alleles (0.013%); highest among the groups gnomAD compares: Non-Finnish European, 0.017%; 1 homozygote.

Submissions (2):

Women's Health and Genetics/Laboratory Corporation of America, LabCorp
Classification: Uncertain significance. Last evaluated: 2025-01-20. Review status: criteria provided, single submitter. Criteria: LabCorp Variant Classification Summary - May 2015. Collection method: clinical testing. Allele origin: germline.
Comment: Variant summary: STAT5B c.834-7C>T alters a non-conserved nucleotide located close to a canonical splice site and therefore could affect mRNA splicing, leading to a significantly altered protein sequence. Consensus agreement among computation tools predict no significant impact on normal splicing. However, these predictions have yet to be confirmed by functional studies. The variant allele was found at a frequency of 4.8e-05 in 251094 control chromosomes. This frequency is not significantly higher than estimated for a pathogenic variant in STAT5B causing Growth Hormone Insensitivity Syndrome With Immune Dysregulation 2, Autosomal Dominant, allowing no conclusion about variant significance. To our knowledge, no occurrence of c.834-7C>T in individuals affected with Growth Hormone Insensitivity Syndrome With Immune Dysregulation 2, Autosomal Dominant and no experimental evidence demonstrating its impact on protein function have been reported. ClinVar contains an entry for this variant (Variation ID: 734544). Based on the evidence outlined above, the variant was classified as uncertain significance.

Labcorp Genetics (formerly Invitae), Labcorp
Classification: Likely benign for Growth hormone insensitivity with immune dysregulation 1, autosomal recessive. Last evaluated: 2019-12-22. Review status: criteria provided, single submitter. Criteria: Invitae Variant Classification Sherloc (09022015). Collection method: clinical testing. Allele origin: germline.

NM_012448.4(STAT5B):c.834-7C>T

Gene: STAT5B (signal transducer and activator of transcription 5B; minus strand). Cytogenetic location: 17q21.2.
Variant type: single nucleotide variant.
Coding change: c.834-7C>T on transcript NM_012448.4 (MANE Select); 7 bases into the intron before coding-DNA position 834, C replaced by T.
Molecular consequence: intron variant.
Genome position (GRCh38, 1-based): chr17:42,218,885, G>A on the plus strand (C>T on the coding strand, the complement: STAT5B is on the minus strand). VCF-style: chr17-42218885-G-A. GRCh37 (hg19) VCF-style: chr17-40370903-G-A.
Identifiers: ClinVar variation 734544 (VCV000734544.13), dbSNP rs370072353, ClinGen allele CA8574173.